The following is an entry in ClinVar:

ClinVar aggregate classification (germline): Uncertain significance (1 of 4 stars; one submission).

Submission:

GeneDx
Classification: Uncertain significance. Last evaluated: 2025-01-03. Review status: criteria provided, single submitter. Criteria: GeneDx Variant Classification Process June 2021. Collection method: clinical testing. Allele origin: germline. Affected: yes.
Comment: Not observed at significant frequency in large population cohorts (gnomAD); Missense variants in this gene are a common cause of disease and they are underrepresented in the general population; In silico analysis supports that this missense variant has a deleterious effect on protein structure/function; Has not been previously published as pathogenic or benign to our knowledge

NM_001614.5(ACTG1):c.338A>C (p.Lys113Thr)

Gene: ACTG1 (actin gamma 1; minus strand). Cytogenetic location: 17q25.3.
Variant type: single nucleotide variant.
Coding change: c.338A>C on transcript NM_001614.5 (MANE Select); coding-DNA position 338, A replaced by C.
Protein change: p.Lys113Thr; replaces lysine 113 with threonine.
Molecular consequence: missense variant. On other transcripts: non-coding transcript variant (1).
Genome position (GRCh38, 1-based): chr17:81,511,928, T>G on the plus strand (A>C on the coding strand, the complement: ACTG1 is on the minus strand). VCF-style: chr17-81511928-T-G. GRCh37 (hg19) VCF-style: chr17-79478954-T-G.
Other names: c.338A>C, p.Lys113Thr (NM_001199954.3); short protein forms K113T.
Identifiers: ClinVar variation 4055762 (VCV004055762.1).